The following is an entry in ClinVar:

NM_000384.3(APOB):c.625C>G (p.Leu209Val)

Gene: APOB (apolipoprotein B; minus strand). Cytogenetic location: 2p24.1.
Variant type: single nucleotide variant.
Coding change: c.625C>G on transcript NM_000384.3 (MANE Select); coding-DNA position 625, C replaced by G.
Protein change: p.Leu209Val; replaces leucine 209 with valine.
Molecular consequence: missense variant.
Genome position (GRCh38, 1-based): chr2:21,037,168, G>C on the plus strand (C>G on the coding strand, the complement: APOB is on the minus strand). VCF-style: chr2-21037168-G-C. GRCh37 (hg19) VCF-style: chr2-21260040-G-C.
Other names: c.625C>G (NM_000384.2); short protein forms L209V.
Identifiers: ClinVar variation 4881995 (VCV004881995.3).

ClinVar aggregate classification (germline): Uncertain significance. Review status: criteria provided, multiple submitters, no conflicts (2 of 4 stars). 2 submissions from 2 submitters: Uncertain significance (2). Last evaluated 2026-03-24.

gnomAD v4.1: 5 of 1,614,090 alleles (0.00031%); highest among the groups gnomAD compares: African/African-American, 0.004%; no homozygotes.

Submissions (2):

GeneDx
Classification: Uncertain significance. Last evaluated: 2026-03-24. Review status: criteria provided, single submitter. Criteria: GeneDx Variant Classification Process June 2021. Collection method: clinical testing. Allele origin: germline.
Comment: Not observed at significant frequency in large population cohorts (gnomAD); In silico analysis supports that this missense variant has a deleterious effect on protein structure/function; Has not been previously published as pathogenic or benign to our knowledge; Also known as p.(L182V)

Dasa
Classification: Uncertain significance. Last evaluated: 2025-01-28. Review status: criteria provided, single submitter. Criteria: DASA Assertion Criteria. Collection method: clinical testing. Allele origin: germline.
Comment: NM_000384.3(APOB):c.625C>G (p.Leu209Val) is a missense variant that results in the substitution of leucine with valine. This variant is rare in population databases. Computational prediction algorithms are consistent with a benign effect. The currently available literature and clinical evidence are not sufficient to establish a definitive association between this variant and the reported condition. Therefore, this variant is classified as a variant of uncertain significance.